The following is an entry in ClinVar:

ClinVar aggregate classification (germline): Conflicting classifications of pathogenicity. Review status: criteria provided, conflicting classifications (1 of 4 stars). 6 submissions from 6 submitters: Uncertain significance (4); Benign (1); Likely benign (1). Last evaluated 2022-10-20.

Conditions:
NBN-related disorder. Also called: NBN-related condition.
Microcephaly, normal intelligence and immunodeficiency (NBS). Also called: BERLIN BREAKAGE SYNDROME; Ataxia telangiectasia variant V1; IMMUNODEFICIENCY, MICROCEPHALY, AND CHROMOSOMAL INSTABILITY; SEEMANOVA SYNDROME II; Immunodeficiency, microcephaly with normal intelligence; Nijmegen breakage syndrome. Identifiers: Orphanet 647, MedGen C0398791, MONDO:0009623, OMIM 251260.

Allele frequency attached by ClinVar (database versions not stated): ExAC 0.00001; gnomAD exomes 0.00002 and 0.00005; TOPMed 0.00003; gnomAD 0.00004.
gnomAD v4.1: 80 of 1,612,780 alleles (0.005%); highest among the groups gnomAD compares: Non-Finnish European, 0.0064%; no homozygotes.

Submissions (6):

PreventionGenetics, part of Exact Sciences
Classification: Uncertain significance for NBN-related condition. Last evaluated: 2022-10-20. Review status: criteria provided, single submitter. Criteria: ACMG Guidelines, 2015. Collection method: clinical testing. Allele origin: germline.
Comment: The NBN c.-10A>T variant is located in the 5' untranslated region. To our knowledge, this variant has not been reported in the literature. This variant is reported in 0.0048% of alleles in individuals of European (Non-Finnish) descent in gnomAD. In ClinVar, this variant is interpreted as benign/likely benign/uncertain. At this time, the clinical significance of this variant is uncertain due to the absence of conclusive functional and genetic evidence.

Genome-Nilou Lab
Classification: Likely benign for Microcephaly, normal intelligence and immunodeficiency. Last evaluated: 2021-11-07. Review status: criteria provided, single submitter. Criteria: ACMG Guidelines, 2015. Collection method: clinical testing. Allele origin: germline. Affected: no.

Department of Pathology and Laboratory Medicine, Sinai Health System
Classification: Uncertain significance for Microcephaly, normal intelligence and immunodeficiency. Last evaluated: 2020-09-14. Review status: criteria provided, single submitter. Criteria: ACMG Guidelines, 2015. Collection method: clinical testing. Allele origin: germline. Affected: yes.

Quest Diagnostics Nichols Institute San Juan Capistrano
Classification: Uncertain significance. Last evaluated: 2018-04-18. Review status: criteria provided, single submitter. Criteria: Quest Diagnostics criteria. Collection method: clinical testing. Allele origin: germline.

Women's Health and Genetics/Laboratory Corporation of America, LabCorp
Classification: Uncertain significance. Last evaluated: 2017-03-03. Review status: criteria provided, single submitter. Criteria: LabCorp Variant Classification Summary - May 2015. Collection method: clinical testing. Allele origin: germline.
Comment: Variant summary: The NBN c.-10A>T variant involves the alteration of a non-conserved nucleotide in the 5 region. One in silico tool predicts a benign outcome for this variant. 3/5 splice prediction tools predict a gain of cryptic splicing donor site. ESE finder predicts that this variant may affect ESE sites. However, these predictions have yet to be confirmed by functional studies. This variant was found in 1/109698 control chromosomes at a frequency of 0.0000091, which does not exceed the estimated maximal expected allele frequency of a pathogenic NBN variant (0.0025). The variant of interest has not, to our knowledge, been reported in affected individuals via publications and/or reputable databases/clinical diagnostic laboratories; nor evaluated for functional impact by in vivo/vitro studies. Because of the absence of clinical information and the lack of functional studies, the variant is classified as a variant of uncertain significance (VUS) until additional information becomes available.

GeneDx
Classification: Benign. Last evaluated: 2015-03-03. Review status: criteria provided, single submitter. Criteria: GeneDx Variant Classification Process June 2021. Collection method: clinical testing. Allele origin: germline. Affected: yes.

NM_002485.5(NBN):c.-10A>T

Gene: NBN (nibrin; minus strand). Cytogenetic location: 8q21.3.
Variant type: single nucleotide variant.
Coding change: c.-10A>T on transcript NM_002485.5 (MANE Select); 10 bases upstream of the start codon, A replaced by T.
Molecular consequence: 5 prime UTR variant.
Genome position (GRCh38, 1-based): chr8:89,984,571, T>A on the plus strand (A>T on the coding strand, the complement: NBN is on the minus strand). VCF-style: chr8-89984571-T-A. GRCh37 (hg19) VCF-style: chr8-90996799-T-A.
Other names: c.-306A>T (NM_001024688.3).
Identifiers: ClinVar variation 492068 (VCV000492068.11), dbSNP rs759094270, ClinGen allele CA4803113.
Genomic context (GRCh38, chr8:89,984,571, plus strand): 5'-CCTTCTGCCCTTACCTCCTGCCGGGCCCGCGGCGGGCAGCAGTTTCCACATCGGTCCGGC[T>A]CCTCAGGGCTGGGGCCGACGTGCAACCGCGTAACCGGGGCTGCTAGACGAGCGCGGATAC-3'